The following is an entry in ClinVar:

NM_001330078.2(NRXN1):c.3473C>G (p.Thr1158Ser)

Gene: NRXN1 (neurexin 1; minus strand). Cytogenetic location: 2p16.3.
Variant type: single nucleotide variant.
Coding change: c.3473C>G on transcript NM_001330078.2 (MANE Select); coding-DNA position 3473, C replaced by G.
Protein change: p.Thr1158Ser; replaces threonine 1158 with serine.
Molecular consequence: missense variant.
Genome position (GRCh38, 1-based): chr2:50,236,862, G>C on the plus strand (C>G on the coding strand, the complement: NRXN1 is on the minus strand). VCF-style: chr2-50236862-G-C. GRCh37 (hg19) VCF-style: chr2-50464000-G-C.
Other names: c.3593C>G, p.Thr1198Ser (NM_001135659.3); c.3449C>G, p.Thr1150Ser (NM_001330077.2, NM_001330082.2); c.3407C>G, p.Thr1136Ser (NM_001330083.2, NM_001330084.2); c.3446C>G, p.Thr1149Ser (NM_001330085.2); c.3473C>G, p.Thr1158Ser (NM_001330086.2, NM_004801.6); c.3362C>G, p.Thr1121Ser (NM_001330087.2, NM_001330096.2); c.3392C>G, p.Thr1131Ser (NM_001330088.2); c.368C>G, p.Thr123Ser (NM_001330091.2, NM_001330092.2, NM_001330097.2 and 1 more transcripts); and 3 more; short protein forms T1131S, T1141S, T1149S, T1154S, T1157S, T1150S, T1198S, T123S.
Identifiers: ClinVar variation 2757474 (VCV002757474.3), dbSNP rs1574657686, ClinGen allele CA346820921.

ClinVar aggregate classification (germline): Uncertain significance (1 of 4 stars; one submission).

Conditions:
Pitt-Hopkins-like syndrome 2 (PTHSL2). Identifiers: Orphanet 221150, Orphanet 600663, MedGen C3280479, MONDO:0013690, OMIM 614325.

Submission:

Labcorp Genetics (formerly Invitae), Labcorp
Classification: Uncertain significance for Pitt-Hopkins-like syndrome 2. Last evaluated: 2023-09-03. Review status: criteria provided, single submitter. Criteria: Invitae Variant Classification Sherloc (09022015). Collection method: clinical testing. Allele origin: germline.
Comment: This sequence change replaces threonine, which is neutral and polar, with serine, which is neutral and polar, at codon 1198 of the NRXN1 protein (p.Thr1198Ser). This variant is not present in population databases (gnomAD no frequency). This variant has not been reported in the literature in individuals affected with NRXN1-related conditions. Advanced modeling of protein sequence and biophysical properties (such as structural, functional, and spatial information, amino acid conservation, physicochemical variation, residue mobility, and thermodynamic stability) performed at Invitae indicates that this missense variant is not expected to disrupt NRXN1 protein function. In summary, the available evidence is currently insufficient to determine the role of this variant in disease. Therefore, it has been classified as a Variant of Uncertain Significance.